The following is an entry in ClinVar:

NM_016335.6(PRODH):c.-18G>A

Genes: HSERVPRODH (human-specific endogenous retroviral insert PRODH enhancer; plus strand), PRODH (proline dehydrogenase 1; minus strand). Cytogenetic location: 22q11.21.
Variant type: single nucleotide variant.
Coding change: c.-18G>A on transcript NM_016335.6 (MANE Select); 18 bases upstream of the start codon, G replaced by A.
Molecular consequence: genic upstream transcript variant. On other transcripts: intron variant (1).
Genome position (GRCh38, 1-based): chr22:18,936,305, C>T on the plus strand (G>A on the coding strand, the complement: PRODH is on the minus strand). VCF-style: chr22-18936305-C-T. GRCh37 (hg19) VCF-style: chr22-18923818-C-T.
Other names: c.-52+85G>A (NM_001195226.2).
Identifiers: ClinVar variation 3366407 (VCV003366407.1).
Genomic context (GRCh38, chr22:18,936,305, plus strand): 5'-GAATGCAGGGGCGCAGCGCGGGCAGGGCGCGCCTCAGAGCCATGGCGGGACGGCGGTACC[C>T]GCCCGGGCCGCTTAAGTGTGCGCTGTTGGTCCCGCCCCGCCCCGCCCCGCCCCGCCCCGC-3'

ClinVar aggregate classification (germline): Uncertain significance (1 of 4 stars; one submission).

Submission:

Women's Health and Genetics/Laboratory Corporation of America, LabCorp
Classification: Uncertain significance. Last evaluated: 2024-08-08. Review status: criteria provided, single submitter. Criteria: LabCorp Variant Classification Summary - May 2015. Collection method: clinical testing. Allele origin: germline.
Comment: Variant summary: PRODH c.-18G>A is located in the untranscribed region upstream of the PRODH gene region. The frequency data for this variant in gnomAD is considered unreliable, as metrics indicate poor data quality at this position. To our knowledge, no occurrence of c.-18G>A in individuals affected with Proline Dehydrogenase Deficiency and no experimental evidence demonstrating its impact on protein function have been reported. No submitters have cited clinical-significance assessments for this variant to ClinVar. Based on the evidence outlined above, the variant was classified as uncertain significance.